The following is an entry in ClinVar:

ClinVar aggregate classification (germline): Uncertain significance (1 of 4 stars; one submission).

Submission:

GeneDx
Classification: Uncertain significance. Last evaluated: 2022-09-19. Review status: criteria provided, single submitter. Criteria: GeneDx Variant Classification Process June 2021. Collection method: clinical testing. Allele origin: germline. Affected: yes.
Comment: Not observed at significant frequency in large population cohorts (gnomAD); Has not been previously published as pathogenic or benign to our knowledge; In-silico analysis is inconclusive as to whether the variant alters gene splicing. In the absence of RNA/functional studies, the actual effect of this sequence change is unknown.

NM_181672.3(OGT):c.51T>C (p.Arg17=)

Gene: OGT (O-linked N-acetylglucosamine (GlcNAc) transferase; plus strand). Cytogenetic location: Xq13.1.
Variant type: single nucleotide variant.
Coding change: c.51T>C on transcript NM_181672.3 (MANE Select); coding-DNA position 51, T replaced by C.
Protein change: p.Arg17=; no amino-acid change (arginine 17 retained).
Molecular consequence: synonymous variant. On other transcripts: intron variant (1).
Genome position (GRCh38, 1-based): chrX:71,536,191, T>C. VCF-style: chrX-71536191-T-C. GRCh37 (hg19) VCF-style: chrX-70756041-T-C.
Other names: c.38-17T>C (NM_181673.3).
Identifiers: ClinVar variation 2444810 (VCV002444810.1), dbSNP rs2522815901, ClinGen allele CA516724695.
Genomic context (GRCh38, chrX:71,536,191, plus strand): 5'-TTTTGTTTTCCCCCCTCCTTCCCTCAAATGTTTTGATGATTCTCCAGAACCAACGAAACG[T>C]ATGCTTTCCTTCCAAGGGTTAGCTGAGTTGGCACATCGAGAATATCAGGCAGGAGATTTT-3'
Protein context (NP_858058.1, residues 7-27): NVADSTEPTK[Arg17=]MLSFQGLAEL